The following is an entry in ClinVar:

NM_201384.3(PLEC):c.10852A>C (p.Met3618Leu)

Gene: PLEC (plectin; minus strand). Cytogenetic location: 8q24.3.
Variant type: single nucleotide variant.
Coding change: c.10852A>C on transcript NM_201384.3 (MANE Select); coding-DNA position 10852, A replaced by C.
Protein change: p.Met3618Leu; replaces methionine 3618 with leucine.
Molecular consequence: missense variant.
Genome position (GRCh38, 1-based): chr8:143,918,969, T>G on the plus strand (A>C on the coding strand, the complement: PLEC is on the minus strand). VCF-style: chr8-143918969-T-G. GRCh37 (hg19) VCF-style: chr8-144993137-T-G.
Other names: c.10933A>C, p.Met3645Leu (NM_000445.5); c.10810A>C, p.Met3604Leu (NM_201378.4); c.10786A>C, p.Met3596Leu (NM_201379.3); c.11263A>C, p.Met3755Leu (NM_201380.4); c.10756A>C, p.Met3586Leu (NM_201381.3); c.10852A>C, p.Met3618Leu (NM_201382.4); c.10864A>C, p.Met3622Leu (NM_201383.3); short protein forms M3586L, M3596L, M3604L, M3618L, M3622L, M3645L, M3755L.
Identifiers: ClinVar variation 1303932 (VCV001303932.3), dbSNP rs376442504, ClinGen allele CA372496216.

ClinVar aggregate classification (germline): Uncertain significance. Review status: criteria provided, multiple submitters, no conflicts (2 of 4 stars). 2 submissions from 2 submitters: Uncertain significance (2). Last evaluated 2025-08-01.

Conditions:
Inborn genetic diseases. Identifiers: MedGen C0950123, MeSH D030342.

gnomAD v4.1: 16 of 1,610,796 alleles (0.00099%); highest among the groups gnomAD compares: Non-Finnish European, 0.0013%; no homozygotes.

Submissions (2):

Ambry Genetics
Classification: Uncertain significance for Inborn genetic diseases. Last evaluated: 2025-08-01. Review status: criteria provided, single submitter. Criteria: Ambry Variant Classification Scheme 2023. Collection method: clinical testing. Allele origin: germline.

GeneDx
Classification: Uncertain significance. Last evaluated: 2019-09-19. Review status: criteria provided, single submitter. Criteria: GeneDx Variant Classification Process June 2021. Collection method: clinical testing. Allele origin: germline. Affected: yes.
Comment: Not observed in large population cohorts (Lek et al., 2016); In silico analysis, which includes protein predictors and evolutionary conservation, supports that this variant does not alter protein structure/function; Has not been previously published as pathogenic or benign to our knowledge